The following is an entry in ClinVar:

ClinVar aggregate classification (germline): Uncertain significance (1 of 4 stars; one submission).

Conditions:
Hereditary cancer-predisposing syndrome. Also called: Tumor predisposition; Neoplastic Syndromes, Hereditary; Hereditary neoplastic syndrome; Hereditary Cancer Syndrome. Identifiers: Orphanet 140162, MedGen C0027672, MeSH D009386, MONDO:0015356.

Submission:

Ambry Genetics
Classification: Uncertain significance for Hereditary cancer-predisposing syndrome. Last evaluated: 2025-08-27. Review status: criteria provided, single submitter. Criteria: Ambry Variant Classification Scheme 2023. Collection method: clinical testing. Allele origin: germline.
Comment: The p.E369A variant (also known as c.1106A>C), located in coding exon 12 of the MUTYH gene, results from an A to C substitution at nucleotide position 1106. The glutamic acid at codon 369 is replaced by alanine, an amino acid with dissimilar properties. This amino acid position is conserved. In addition, this alteration is predicted to be tolerated by in silico analysis. Based on the available evidence, the clinical significance of this variant remains unclear.

NM_001048174.2(MUTYH):c.1022A>C (p.Glu341Ala)

Gene: MUTYH (mutY DNA glycosylase; minus strand). Cytogenetic location: 1p34.1.
Variant type: single nucleotide variant.
Coding change: c.1022A>C on transcript NM_001048174.2 (MANE Select); coding-DNA position 1022, A replaced by C.
Protein change: p.Glu341Ala; replaces glutamic acid 341 with alanine.
Molecular consequence: missense variant. On other transcripts: non-coding transcript variant (7).
Genome position (GRCh38, 1-based): chr1:45,331,741, T>G on the plus strand (A>C on the coding strand, the complement: MUTYH is on the minus strand). VCF-style: chr1-45331741-T-G. GRCh37 (hg19) VCF-style: chr1-45797413-T-G.
Other names: c.1064A>C, p.Glu355Ala (NM_001407083.1, NM_001407085.1); c.1025A>C, p.Glu342Ala (NM_001407086.1, NM_001407078.1, NM_001048172.2 and 1 more transcripts); c.1043A>C, p.Glu348Ala (NM_001407087.1); c.1022A>C, p.Glu341Ala (NM_001407088.1, NM_001407089.1, NM_001407081.1 and 6 more transcripts); c.746A>C, p.Glu249Ala (NM_001407091.1, NM_001293192.2, NM_001293196.2); c.1097A>C, p.Glu366Ala (NM_012222.3); c.983A>C, p.Glu328Ala (NM_001407079.1); c.980A>C, p.Glu327Ala (NM_001407080.1); and 5 more; short protein forms E313A, E356A, E249A, E341A, E342A, E366A, E369A, E327A.
Identifiers: ClinVar variation 4113014 (VCV004113014.1).